The following is an entry in ClinVar:

ClinVar aggregate classification (germline): Uncertain significance. Review status: criteria provided, multiple submitters, no conflicts (2 of 4 stars). 2 submissions from 2 submitters: Uncertain significance (2). Last evaluated 2024-07-09.

Conditions:
Dystonic disorder. Also called: Dystonia. Identifiers: MedGen C0013421, MONDO:0003441, HP:0001332.
Inborn genetic diseases. Identifiers: MedGen C0950123, MeSH D030342.

gnomAD v4.1: 10 of 1,501,556 alleles (0.00067%); highest among the groups gnomAD compares: Non-Finnish European, 0.0008%; no homozygotes.

Submissions (2):

Ambry Genetics
Classification: Uncertain significance for Inborn genetic diseases. Last evaluated: 2024-07-09. Review status: criteria provided, single submitter. Criteria: Ambry Variant Classification Scheme 2023. Collection method: clinical testing. Allele origin: germline.

Labcorp Genetics (formerly Invitae), Labcorp
Classification: Uncertain significance for Dystonic disorder. Last evaluated: 2021-10-19. Review status: criteria provided, single submitter. Criteria: Invitae Variant Classification Sherloc (09022015). Collection method: clinical testing. Allele origin: germline.
Comment: This sequence change replaces glycine with valine at codon 4 of the SPR protein (p.Gly4Val). The glycine residue is highly conserved and there is a moderate physicochemical difference between glycine and valine. The frequency data for this variant in the population databases is considered unreliable, as metrics indicate poor data quality at this position in the ExAC database. This variant has not been reported in the literature in individuals affected with SPR-related conditions. Algorithms developed to predict the effect of missense changes on protein structure and function (SIFT, PolyPhen-2, Align-GVGD) all suggest that this variant is likely to be tolerated. In summary, the available evidence is currently insufficient to determine the role of this variant in disease. Therefore, it has been classified as a Variant of Uncertain Significance.

NM_003124.5(SPR):c.11G>T (p.Gly4Val)

Genes: SPR (sepiapterin reductase; plus strand), LOC129934069 (ATAC-STARR-seq lymphoblastoid silent region 11626; plus strand). Cytogenetic location: 2p13.2.
Variant type: single nucleotide variant.
Coding change: c.11G>T on transcript NM_003124.5 (MANE Select); coding-DNA position 11, G replaced by T.
Protein change: p.Gly4Val; replaces glycine 4 with valine.
Molecular consequence: missense variant.
Genome position (GRCh38, 1-based): chr2:72,887,443, G>T. VCF-style: chr2-72887443-G-T. GRCh37 (hg19) VCF-style: chr2-73114572-G-T.
Other names: c.11G>T (NM_003124.4); short protein forms G4V.
Identifiers: ClinVar variation 1352338 (VCV001352338.4), dbSNP rs770655581, ClinGen allele CA1708892.